The following is an entry in ClinVar:

ClinVar aggregate classification (germline): Uncertain significance. Review status: criteria provided, single submitter (1 of 4 stars). 2 submissions from 2 submitters: Uncertain significance (1). 1 of the submissions does not count toward it. Last evaluated 2021-12-02.

Conditions:
Charcot-Marie-Tooth disease type 4. Also called: Charcot-Marie-Tooth, Type 4; Charcot-Marie-Tooth disease, type IV. Identifiers: Orphanet 64749, MedGen C4082197, MONDO:0018995.
Charcot-Marie-Tooth disease type 4D. Also called: Charcot-Marie-Tooth Neuropathy Type 4D; CHARCOT-MARIE-TOOTH DISEASE, DEMYELINATING, AUTOSOMAL RECESSIVE, TYPE 4D; CHARCOT-MARIE-TOOTH DISEASE, DEMYELINATING, TYPE 4D; NEUROPATHY, HEREDITARY MOTOR AND SENSORY, LOM TYPE. Identifiers: Orphanet 99950, MedGen C1832334, MONDO:0011085, OMIM 601455.

Allele frequency attached by ClinVar (database versions not stated): gnomAD exomes 0.00003 and 0.00005; ExAC 0.00004; gnomAD 0.00004 and 0.00005; TOPMed 0.00008; ESP Exome Variant Server 0.00015.
gnomAD v4.1: 49 of 1,614,084 alleles (0.003%); highest among the groups gnomAD compares: African/African-American, 0.012%; no homozygotes.

Submissions (2):

Labcorp Genetics (formerly Invitae), Labcorp
Classification: Uncertain significance for Charcot-Marie-Tooth disease type 4. Last evaluated: 2021-12-02. Review status: criteria provided, single submitter. Criteria: Invitae Variant Classification Sherloc (09022015). Collection method: clinical testing. Allele origin: germline.
Comment: This sequence change replaces arginine, which is basic and polar, with glutamine, which is neutral and polar, at codon 56 of the NDRG1 protein (p.Arg56Gln). This variant is present in population databases (rs151322132, gnomAD 0.03%). This variant has not been reported in the literature in individuals affected with NDRG1-related conditions. ClinVar contains an entry for this variant (Variation ID: 664019). Algorithms developed to predict the effect of missense changes on protein structure and function are either unavailable or do not agree on the potential impact of this missense change (SIFT: "Deleterious"; PolyPhen-2: "Probably Damaging"; Align-GVGD: "Class C0"). In summary, the available evidence is currently insufficient to determine the role of this variant in disease. Therefore, it has been classified as a Variant of Uncertain Significance.

Natera, Inc.
Classification: Uncertain significance for Charcot-Marie-Tooth disease type 4D. Last evaluated: 2020-02-05. Review status: no assertion criteria provided. Collection method: clinical testing. Allele origin: germline. Not counted in ClinVar's aggregate classification.

NM_006096.4(NDRG1):c.167G>A (p.Arg56Gln)

Gene: NDRG1 (N-myc downstream regulated 1; minus strand). Cytogenetic location: 8q24.22.
Variant type: single nucleotide variant.
Coding change: c.167G>A on transcript NM_006096.4 (MANE Select); coding-DNA position 167, G replaced by A.
Protein change: p.Arg56Gln; replaces arginine 56 with glutamine.
Molecular consequence: missense variant. On other transcripts: 5 prime UTR variant (2), intron variant (1).
Genome position (GRCh38, 1-based): chr8:133,264,585, C>T on the plus strand (G>A on the coding strand, the complement: NDRG1 is on the minus strand). VCF-style: chr8-133264585-C-T. GRCh37 (hg19) VCF-style: chr8-134276828-C-T.
Other names: c.167G>A, p.Arg56Gln (NM_001374846.1, NM_001135242.2, NM_001374844.1 and 1 more transcripts); c.-32G>A (NM_001374847.1, NM_001258432.2); c.-38-2418G>A (NM_001258433.2); short protein forms R56Q.
Identifiers: ClinVar variation 664019 (VCV000664019.5), dbSNP rs151322132, ClinGen allele CA4886865.